The following is an entry in ClinVar:

ClinVar aggregate classification (germline): Pathogenic (1 of 4 stars; one submission).

Conditions:
Hereditary cancer-predisposing syndrome. Also called: Neoplastic Syndromes, Hereditary; Tumor predisposition; Hereditary Cancer Syndrome; Hereditary neoplastic syndrome. Identifiers: Orphanet 140162, MedGen C0027672, MeSH D009386, MONDO:0015356.

Submission:

Ambry Genetics
Classification: Pathogenic for Hereditary cancer-predisposing syndrome. Last evaluated: 2022-10-14. Review status: criteria provided, single submitter. Criteria: Ambry Variant Classification Scheme 2023. Collection method: clinical testing. Allele origin: germline.
Comment: The c.3697_3698insGA pathogenic mutation, located in coding exon 8 of the MSH6 gene, results from an insertion of two nucleotides at position 3697, causing a translational frameshift with a predicted alternate stop codon (p.K1233Rfs*8). This variant is considered to be rare based on population cohorts in the Genome Aggregation Database (gnomAD). This alteration is expected to result in loss of function by premature protein truncation or nonsense-mediated mRNA decay. As such, this alteration is interpreted as a disease-causing mutation.

NM_000179.3(MSH6):c.3697_3698insGA (p.Lys1233fs)

Gene: MSH6 (mutS homolog 6; plus strand). Cytogenetic location: 2p16.3.
Variant type: Insertion.
Coding change: c.3697_3698insGA on transcript NM_000179.3 (MANE Select); coding-DNA positions 3697 to 3698, GA inserted.
Protein change: p.Lys1233fs; shifts the reading frame from lysine 1233.
Molecular consequence: frameshift variant.
Genome position: GRCh38 VCF-style: chr2-47806253-T-TAG. GRCh37 (hg19) VCF-style: chr2-48033392-T-TAG.
Other names: c.3307_3308insGA, p.Lys1103fs (NM_001281492.2); c.2791_2792insGA, p.Lys931fs (NM_001281493.2, NM_001281494.2); c.3793_3794insGA, p.Lys1265Argfs (NM_001406795.1, NM_001406802.1); c.3697_3698insGA, p.Lys1233Argfs (NM_001406796.1, NM_001406800.1, NM_001406808.1 and 1 more transcripts); c.3400_3401insGA, p.Lys1134Argfs (NM_001406797.1, NM_001406801.1, NM_001406805.1 and 10 more transcripts); c.3523_3524insGA, p.Lys1175Argfs (NM_001406798.1); c.3172_3173insGA, p.Lys1058Argfs (NM_001406799.1, NM_001406806.1, NM_001406807.1); c.2833_2834insGA, p.Lys945Argfs (NM_001406803.1); and 8 more; short protein forms K1103fs, K1233fs, K931fs.
Identifiers: ClinVar variation 1734002 (VCV001734002.2), dbSNP rs2530840397, ClinGen allele CA2580067288.